The following is an entry in ClinVar:

NM_004991.4(MECOM):c.384C>T (p.Asp128=)

Gene: MECOM (MDS1 and EVI1 complex locus; minus strand). Cytogenetic location: 3q26.2.
Variant type: single nucleotide variant.
Coding change: c.384C>T on transcript NM_004991.4 (MANE Select); coding-DNA position 384, C replaced by T.
Protein change: p.Asp128=; no amino-acid change (aspartic acid 128 retained).
Molecular consequence: synonymous variant. On other transcripts: 5 prime UTR variant (12).
Genome position (GRCh38, 1-based): chr3:169,143,824, G>A on the plus strand (C>T on the coding strand, the complement: MECOM is on the minus strand). VCF-style: chr3-169143824-G-A. GRCh37 (hg19) VCF-style: chr3-168861612-G-A.
Other names: p.Asp128=; c.12C>T, p.Asp4= (NM_001105077.4); c.-181C>T (NM_001105078.4, NM_001163999.2, NM_001164000.2 and 9 more transcripts); c.384C>T, p.Asp128= (NM_001366466.2, NM_001366473.2).
Identifiers: ClinVar variation 3394235 (VCV003394235.2).

ClinVar aggregate classification (germline): Benign/Likely benign. Review status: criteria provided, multiple submitters, no conflicts (2 of 4 stars). 2 submissions from 2 submitters: Benign (1); Likely benign (1). Last evaluated 2024-10-02.

Conditions:
Inborn genetic diseases. Identifiers: MedGen C0950123, MeSH D030342.

gnomAD v4.1: 1,486 of 1,604,482 alleles (0.093%); highest among the groups gnomAD compares: Admixed American, 2.2%; 22 homozygotes.

Submissions (2):

Ambry Genetics
Classification: Likely benign for Inborn genetic diseases. Last evaluated: 2024-10-02. Review status: criteria provided, single submitter. Criteria: Ambry Variant Classification Scheme 2023. Collection method: clinical testing. Allele origin: germline.

Mayo Clinic Laboratories, Mayo Clinic
Classification: Benign. Last evaluated: 2023-10-27. Review status: criteria provided, single submitter. Criteria: ACMG Guidelines, 2015. Collection method: clinical testing. Allele origin: germline. Observed: 3 variant alleles.
Comment: BS1, BS2, BP4, BP7